The following is an entry in ClinVar:

NM_001346813.1:c.1282C>T

Gene: ARID1B (AT-rich interaction domain 1B; plus strand).
Variant type: single nucleotide variant.
Other names: c.1282C>T (NM_001346813.1).
Identifiers: ClinVar variation 4278575 (VCV004278575.1).

ClinVar aggregate classification (germline): Uncertain significance (1 of 4 stars; one submission).

Submission:

GeneDx
Classification: Uncertain significance. Last evaluated: 2025-04-04. Review status: criteria provided, single submitter. Criteria: GeneDx Variant Classification Process June 2021. Collection method: clinical testing. Allele origin: germline. Affected: yes.
Comment: Not observed at significant frequency in large population cohorts (gnomAD); In silico analysis supports that this missense variant has a deleterious effect on protein structure/function; Has not been previously published as pathogenic or benign to our knowledge